The following is an entry in ClinVar:

Single allele

Gene: DMD (dystrophin; minus strand). Cytogenetic location: Xp21.1.
Variant type: Deletion.
Identifiers: ClinVar variation 4682458 (VCV004682458.1).

ClinVar aggregate classification (germline): Pathogenic (1 of 4 stars; one submission).

Submission:

Athena Diagnostics
Classification: Pathogenic. Last evaluated: 2025-10-08. Review status: criteria provided, single submitter. Criteria: Athena Diagnostics Criteria. Collection method: clinical testing. Allele origin: unknown.
Comment: This variant is expected to result in the loss of a functional protein. Similar deletions of DMD exons 13-21 have not been reported in large, multi-ethnic general populations. A similar deletion of DMD exons 13-21 has been identified in at least one individual with Becker muscular dystrophy (BMD) and at least one individual where the type of dystrophinopathy was not specified.

Literature cited by the submitters: PubMed 39499670; PubMed 27593222; PubMed 8543940.